The following is an entry in ClinVar:

NM_001615.4(ACTG2):c.793C>T (p.Pro265Ser)

Gene: ACTG2 (actin gamma 2, smooth muscle; plus strand). Cytogenetic location: 2p13.1.
Variant type: single nucleotide variant.
Coding change: c.793C>T on transcript NM_001615.4 (MANE Select); coding-DNA position 793, C replaced by T.
Protein change: p.Pro265Ser; replaces proline 265 with serine.
Molecular consequence: missense variant.
Genome position (GRCh38, 1-based): chr2:73,914,859, C>T. VCF-style: chr2-73914859-C-T. GRCh37 (hg19) VCF-style: chr2-74141986-C-T.
Other names: c.664C>T, p.Pro222Ser (NM_001199893.2); short protein forms P222S, P265S.
Identifiers: ClinVar variation 3365426 (VCV003365426.1).

ClinVar aggregate classification (germline): Uncertain significance (1 of 4 stars; one submission).

Submission:

GeneDx
Classification: Uncertain significance. Last evaluated: 2023-12-13. Review status: criteria provided, single submitter. Criteria: GeneDx Variant Classification Process June 2021. Collection method: clinical testing. Allele origin: germline. Affected: yes.
Comment: Not observed at significant frequency in large population cohorts (gnomAD); In silico analysis supports that this missense variant has a deleterious effect on protein structure/function; Has not been previously published as pathogenic or benign to our knowledge